The following is an entry in ClinVar:

ClinVar aggregate classification (germline): Likely benign. Review status: criteria provided, multiple submitters, no conflicts (2 of 4 stars). 2 submissions from 2 submitters: Likely benign (2). Last evaluated 2024-11-27.

Conditions:
POU4F1-related disorder. Also called: POU4F1-related condition.

Submissions (2):

Blueprint Genetics
Classification: Likely benign. Last evaluated: 2024-11-27. Review status: criteria provided, single submitter. Criteria: ACMG Guidelines, 2015. Collection method: clinical testing. Allele origin: germline.

PreventionGenetics, part of Exact Sciences
Classification: Likely benign for POU4F1-related condition. Last evaluated: 2023-01-05. Review status: criteria provided, single submitter. Criteria: ACMG Guidelines, 2015. Collection method: clinical testing. Allele origin: germline.
Comment: This variant is classified as likely benign based on ACMG/AMP sequence variant interpretation guidelines (Richards et al. 2015 PMID: 25741868, with internal and published modifications).

NM_006237.4(POU4F1):c.472_486del (p.Gly158_Gly162del)

Genes: OBI1-AS1 (OBI1 antisense RNA 1; plus strand), POU4F1 (POU class 4 homeobox 1; minus strand). Cytogenetic location: 13q31.1.
Variant type: Deletion.
Coding change: c.472_486del on transcript NM_006237.4 (MANE Select); coding-DNA positions 472 to 486, 15 bases deleted (GGCCCGGGCGGCGGC).
Protein change: p.Gly158_Gly162del.
Genome position (GRCh38, 1-based): chr13:78,602,189-78,602,203, GCCGCCGCCCGGGCC deleted on the plus strand (GGCCCGGGCGGCGGC on the coding strand, the reverse complement: POU4F1 is on the minus strand); deleting any 15 consecutive bases within chr13:78,602,189-78,602,212 gives the same sequence; the c. name uses the placement nearest the transcript's 3' end. VCF-style (leftmost placement, unchanged base first): chr13-78602188-GGCCGCCGCCCGGGCC-G. GRCh37 (hg19) VCF-style: chr13-79176323-GGCCGCCGCCCGGGCC-G.
Identifiers: ClinVar variation 3043923 (VCV003043923.2), dbSNP rs1273246249, ClinGen allele CA484489371.
Genomic context (GRCh38, chr13:78,602,188, plus strand): 5'-GGAGCCCGCCGCCCGGGCCGCCGCCGCCGCCCCCCGGGCCGCCACCGCCGCCTCCCCCGG[GGCCGCCGCCCGGGCC>G]GCCGCCGCCGCCCGGGCCGCCACCGCCCCCCGGGCCGTCGTGGGCGCCGCCGCCGCCGGC-3'